The following is an entry in ClinVar:

NM_000059.4(BRCA2):c.3038C>G (p.Ser1013Ter)

Gene: BRCA2 (BRCA2 DNA repair associated; plus strand). Cytogenetic location: 13q13.1.
Variant type: single nucleotide variant.
Coding change: c.3038C>G on transcript NM_000059.4 (MANE Select); coding-DNA position 3038, C replaced by G.
Protein change: p.Ser1013Ter; replaces serine 1013 with a stop codon.
Molecular consequence: nonsense.
Genome position (GRCh38, 1-based): chr13:32,337,393, C>G. VCF-style: chr13-32337393-C-G. GRCh37 (hg19) VCF-style: chr13-32911530-C-G.
Other names: short protein forms S1013*.
Identifiers: ClinVar variation 1460034 (VCV001460034.9), dbSNP rs2137492443, ClinGen allele CA387774968.

ClinVar aggregate classification (germline): Pathogenic. Review status: criteria provided, multiple submitters, no conflicts (2 of 4 stars). 2 submissions from 2 submitters: Pathogenic (2). Last evaluated 2025-12-19.

Conditions:
Hereditary breast ovarian cancer syndrome. Also called: Hereditary breast and ovarian cancer syndrome (HBOC); Hereditary breast and ovarian cancer; Breast and ovarian cancer; Hereditary breast and/or ovarian cancer syndrome; BRCA1- and BRCA2-Associated Hereditary Breast and Ovarian Cancer; Hereditary breast and ovarian cancer syndrome. Identifiers: Orphanet 145, MedGen C0677776, MeSH D061325, MONDO:0003582. Disease mechanism: loss of function.
Hereditary cancer-predisposing syndrome. Also called: Neoplastic Syndromes, Hereditary; Tumor predisposition; Hereditary Cancer Syndrome; Hereditary neoplastic syndrome. Identifiers: Orphanet 140162, MedGen C0027672, MeSH D009386, MONDO:0015356.

Submissions (2):

Ambry Genetics
Classification: Pathogenic for Hereditary cancer-predisposing syndrome. Last evaluated: 2025-12-19. Review status: criteria provided, single submitter. Criteria: Ambry Variant Classification Scheme 2023. Collection method: clinical testing. Allele origin: germline.
Comment: The p.S1013* pathogenic mutation (also known as c.3038C>G), located in coding exon 10 of the BRCA2 gene, results from a C to G substitution at nucleotide position 3038. This changes the amino acid from a serine to a stop codon within coding exon 10. This variant is considered to be rare based on population cohorts in the Genome Aggregation Database (gnomAD). This alteration is expected to result in loss of function by premature protein truncation or nonsense-mediated mRNA decay. As such, this alteration is interpreted as a disease-causing mutation.

Labcorp Genetics (formerly Invitae), Labcorp
Classification: Pathogenic for Hereditary breast ovarian cancer syndrome. Last evaluated: 2020-11-11. Review status: criteria provided, single submitter. Criteria: Invitae Variant Classification Sherloc (09022015). Collection method: clinical testing. Allele origin: germline.
Comment: This sequence change creates a premature translational stop signal (p.Ser1013*) in the BRCA2 gene. It is expected to result in an absent or disrupted protein product. Loss-of-function variants in BRCA2 are known to be pathogenic (PMID: 20104584). This variant is not present in population databases (ExAC no frequency). For these reasons, this variant has been classified as Pathogenic. This variant has not been reported in the literature in individuals with BRCA2-related conditions.

Literature cited by the submitters: PubMed 20104584 (cited by Labcorp Genetics (formerly Invitae), Labcorp).